The following is an entry in ClinVar:

NM_138295.5(PKD1L1):c.3043G>A (p.Gly1015Arg)

Gene: PKD1L1 (polycystin 1 like 1, transient receptor potential channel interacting; minus strand). Cytogenetic location: 7p12.3.
Variant type: single nucleotide variant.
Coding change: c.3043G>A on transcript NM_138295.5 (MANE Select); coding-DNA position 3043, G replaced by A.
Protein change: p.Gly1015Arg; replaces glycine 1015 with arginine.
Molecular consequence: missense variant.
Genome position (GRCh38, 1-based): chr7:47,885,848, C>T on the plus strand (G>A on the coding strand, the complement: PKD1L1 is on the minus strand). VCF-style: chr7-47885848-C-T. GRCh37 (hg19) VCF-style: chr7-47925446-C-T.
Other names: short protein forms G1015R.
Identifiers: ClinVar variation 2356484 (VCV002356484.5), dbSNP rs775687442, ClinGen allele CA4253554.

ClinVar aggregate classification (germline): Uncertain significance. Review status: criteria provided, single submitter (1 of 4 stars). 2 submissions from 2 submitters: Uncertain significance (1). 1 of the submissions does not count toward it. Last evaluated 2025-04-10.

Conditions:
Inborn genetic diseases. Identifiers: MedGen C0950123, MeSH D030342.
PKD1L1-related disorder. Also called: PKD1L1-related condition.

Allele frequency attached by ClinVar (database versions not stated): gnomAD exomes 0.00003; gnomAD 0.00001; TOPMed 0.00002; ExAC 0.00003.
gnomAD v4.1: 19 of 1,614,084 alleles (0.0012%); highest among the groups gnomAD compares: Admixed American, 0.03%; no homozygotes.

Submissions (2):

Ambry Genetics
Classification: Uncertain significance for Inborn genetic diseases. Last evaluated: 2025-04-10. Review status: criteria provided, single submitter. Criteria: Ambry Variant Classification Scheme 2023. Collection method: clinical testing. Allele origin: germline.

PreventionGenetics, part of Exact Sciences
Classification: Uncertain significance for PKD1L1-related condition. Last evaluated: 2024-07-01. Review status: no assertion criteria provided. Collection method: clinical testing. Allele origin: germline. Not counted in ClinVar's aggregate classification.
Comment: The PKD1L1 c.3043G>A variant is predicted to result in the amino acid substitution p.Gly1015Arg. To our knowledge, this variant has not been reported in the literature. This variant is reported in 0.045% of alleles in individuals of Latino descent in gnomAD. At this time, the clinical significance of this variant is uncertain due to the absence of conclusive functional and genetic evidence.